The following is an entry in ClinVar:

ClinVar aggregate classification (germline): Uncertain significance (1 of 4 stars; one submission).

Allele frequency attached by ClinVar (database versions not stated): gnomAD exomes below 0.00001; gnomAD 0.00003; TOPMed 0.00003.
gnomAD v4.1: 14 of 1,601,306 alleles (0.00087%); highest among the groups gnomAD compares: Non-Finnish European, 0.0012%; no homozygotes.

Submission:

Labcorp Genetics (formerly Invitae), Labcorp
Classification: Uncertain significance. Last evaluated: 2022-06-04. Review status: criteria provided, single submitter. Criteria: Invitae Variant Classification Sherloc (09022015). Collection method: clinical testing. Allele origin: germline.
Comment: This sequence change replaces leucine, which is neutral and non-polar, with serine, which is neutral and polar, at codon 787 of the ADGRA3 protein (p.Leu787Ser). This variant is present in population databases (no rsID available, gnomAD 0.0009%). This variant has not been reported in the literature in individuals affected with ADGRA3-related conditions. ClinVar contains an entry for this variant (Variation ID: 962189). Algorithms developed to predict the effect of missense changes on protein structure and function (SIFT, PolyPhen-2, Align-GVGD) all suggest that this variant is likely to be tolerated. In summary, the available evidence is currently insufficient to determine the role of this variant in disease. Therefore, it has been classified as a Variant of Uncertain Significance.

NM_145290.4(ADGRA3):c.2360T>C (p.Leu787Ser)

Gene: ADGRA3 (adhesion G protein-coupled receptor A3; minus strand). Cytogenetic location: 4p15.2.
Variant type: single nucleotide variant.
Coding change: c.2360T>C on transcript NM_145290.4 (MANE Select); coding-DNA position 2360, T replaced by C.
Protein change: p.Leu787Ser; replaces leucine 787 with serine.
Molecular consequence: missense variant.
Genome position (GRCh38, 1-based): chr4:22,401,552, A>G on the plus strand (T>C on the coding strand, the complement: ADGRA3 is on the minus strand). VCF-style: chr4-22401552-A-G. GRCh37 (hg19) VCF-style: chr4-22403175-A-G.
Other names: short protein forms L787S.
Identifiers: ClinVar variation 962189 (VCV000962189.9), dbSNP rs1027252943, ClinGen allele CA93494323.
Genomic context (GRCh38, chr4:22,401,552, plus strand): 5'-AGGAAAATATGAAAGCACAAGTTCACAAGCATGTGCCAGCTCTTGAGGCTGATTCTAATC[A>G]AACTGTTTAAAAAAGAGAGAAAATATTAATATTCAGGCTAGTACATAAGGAGAAAACTAT-3'
Protein context (NP_660333.2, residues 777-797): VIVSYIYHHS[Leu787Ser]IRISLKSWHM